The following is an entry in ClinVar:

NM_001004334.4(GPR179):c.5725G>A (p.Glu1909Lys)

Gene: GPR179 (G protein-coupled receptor 179; minus strand). Cytogenetic location: 17q12.
Variant type: single nucleotide variant.
Coding change: c.5725G>A on transcript NM_001004334.4 (MANE Select); coding-DNA position 5725, G replaced by A.
Protein change: p.Glu1909Lys; replaces glutamic acid 1909 with lysine.
Molecular consequence: missense variant.
Genome position (GRCh38, 1-based): chr17:38,327,844, C>T on the plus strand (G>A on the coding strand, the complement: GPR179 is on the minus strand). VCF-style: chr17-38327844-C-T. GRCh37 (hg19) VCF-style: chr17-36483727-C-T.
Other names: c.5725G>A (NM_001004334.2); short protein forms E1909K.
Identifiers: ClinVar variation 1061749 (VCV001061749.11), dbSNP rs903436438, ClinGen allele CA290103374.

ClinVar aggregate classification (germline): Uncertain significance. Review status: criteria provided, multiple submitters, no conflicts (2 of 4 stars). 3 submissions from 3 submitters: Uncertain significance (3). Last evaluated 2024-07-18.

Conditions:
Inborn genetic diseases. Identifiers: MedGen C0950123, MeSH D030342.

Allele frequency attached by ClinVar (database versions not stated): gnomAD 0.00004; TOPMed 0.00005; gnomAD exomes 0.00006.
gnomAD v4.1: 95 of 1,614,106 alleles (0.0059%); highest among the groups gnomAD compares: Non-Finnish European, 0.0079%; no homozygotes.

Submissions (3):

Blueprint Genetics
Classification: Uncertain significance. Last evaluated: 2024-07-18. Review status: criteria provided, single submitter. Criteria: ACMG Guidelines, 2015. Collection method: clinical testing. Allele origin: germline.

Labcorp Genetics (formerly Invitae), Labcorp
Classification: Uncertain significance. Last evaluated: 2024-06-28. Review status: criteria provided, single submitter. Criteria: Invitae Variant Classification Sherloc (09022015). Collection method: clinical testing. Allele origin: germline.
Comment: This sequence change replaces glutamic acid, which is acidic and polar, with lysine, which is basic and polar, at codon 1909 of the GPR179 protein (p.Glu1909Lys). This variant is present in population databases (no rsID available, gnomAD 0.007%). This variant has not been reported in the literature in individuals affected with GPR179-related conditions. ClinVar contains an entry for this variant (Variation ID: 1061749). Algorithms developed to predict the effect of missense changes on protein structure and function output the following: SIFT: "Not Available"; PolyPhen-2: "Benign"; Align-GVGD: "Not Available". The lysine amino acid residue is found in multiple mammalian species, which suggests that this missense change does not adversely affect protein function. In summary, the available evidence is currently insufficient to determine the role of this variant in disease. Therefore, it has been classified as a Variant of Uncertain Significance.

Ambry Genetics
Classification: Uncertain significance for Inborn genetic diseases. Last evaluated: 2024-04-20. Review status: criteria provided, single submitter. Criteria: Ambry Variant Classification Scheme 2023. Collection method: clinical testing. Allele origin: germline.